The following is an entry in ClinVar:

NM_000543.5(SMPD1):c.1010A>G (p.Asn337Ser)

Gene: SMPD1 (sphingomyelin phosphodiesterase 1; plus strand). Cytogenetic location: 11p15.4.
Variant type: single nucleotide variant.
Coding change: c.1010A>G on transcript NM_000543.5 (MANE Select); coding-DNA position 1010, A replaced by G.
Protein change: p.Asn337Ser; replaces asparagine 337 with serine.
Molecular consequence: missense variant. On other transcripts: non-coding transcript variant (1).
Genome position (GRCh38, 1-based): chr11:6,392,075, A>G. VCF-style: chr11-6392075-A-G. GRCh37 (hg19) VCF-style: chr11-6413305-A-G.
Other names: c.1010A>G, p.Asn337Ser (NM_001365135.2, NM_001318087.2); c.1007A>G, p.Asn336Ser (NM_001007593.3); c.49A>G, p.Thr17Ala (NM_001318088.2); short protein forms N336S, T17A, N337S.
Identifiers: ClinVar variation 966461 (VCV000966461.8), dbSNP rs761144309, ClinGen allele CA5852730.

ClinVar aggregate classification (germline): Uncertain significance. Review status: criteria provided, single submitter (1 of 4 stars). 2 submissions from 2 submitters: Uncertain significance (1). 1 of the submissions does not count toward it. Last evaluated 2024-11-05.

Conditions:
Niemann-Pick disease, type A. Also called: SPHINGOMYELIN LIPIDOSIS; SPHINGOMYELINASE DEFICIENCY; Infantile Neurovisceral ASMD (Niemann-Pick Disease Type A; NPD-A). Identifiers: Orphanet 77292, MedGen C0268242, MONDO:0009756, OMIM 257200. Disease mechanism: loss of function.
Niemann-Pick disease, type B. Also called: Chronic Visceral ASMD (Niemann-Pick Disease Type B; NPD-B). Identifiers: Orphanet 77293, MedGen C0268243, MONDO:0011871, OMIM 607616. Disease mechanism: loss of function.

Allele frequency attached by ClinVar (database versions not stated): TOPMed below 0.00001; gnomAD exomes 0.00001 and 0.00003; ExAC 0.00002.
gnomAD v4.1: 17 of 1,614,080 alleles (0.0011%); highest among the groups gnomAD compares: Admixed American, 0.012%; no homozygotes.

Submissions (2):

Labcorp Genetics (formerly Invitae), Labcorp
Classification: Uncertain significance for Niemann-Pick disease, type B; Niemann-Pick disease, type A. Last evaluated: 2024-11-05. Review status: criteria provided, single submitter. Criteria: Invitae Variant Classification Sherloc (09022015). Collection method: clinical testing. Allele origin: germline.
Comment: This sequence change replaces asparagine, which is neutral and polar, with serine, which is neutral and polar, at codon 337 of the SMPD1 protein (p.Asn337Ser). This variant is present in population databases (rs761144309, gnomAD 0.02%). This variant has not been reported in the literature in individuals affected with SMPD1-related conditions. ClinVar contains an entry for this variant (Variation ID: 966461). Invitae Evidence Modeling of protein sequence and biophysical properties (such as structural, functional, and spatial information, amino acid conservation, physicochemical variation, residue mobility, and thermodynamic stability) has been performed for this missense variant. However, the output from this modeling did not meet the statistical confidence thresholds required to predict the impact of this variant on SMPD1 protein function. In summary, the available evidence is currently insufficient to determine the role of this variant in disease. Therefore, it has been classified as a Variant of Uncertain Significance.

Natera, Inc.
Classification: Uncertain significance for Niemann-Pick Disease, Types A/B. Last evaluated: 2019-12-01. Review status: no assertion criteria provided. Collection method: clinical testing. Allele origin: germline. Not counted in ClinVar's aggregate classification.